The following is an entry in ClinVar:

ClinVar aggregate classification (germline): Uncertain significance (1 of 4 stars; one submission).

Conditions:
Adams-Oliver syndrome 5 (AOS5). Identifiers: Orphanet 974, MedGen C4014970, MONDO:0014459, OMIM 616028.

gnomAD v4.1: 2 of 1,612,498 alleles (0.00012%); highest among the groups gnomAD compares: Non-Finnish European, 0.00017%; no homozygotes.

Submission:

Labcorp Genetics (formerly Invitae), Labcorp
Classification: Uncertain significance for Adams-Oliver syndrome 5. Last evaluated: 2024-10-21. Review status: criteria provided, single submitter. Criteria: Invitae Variant Classification Sherloc (09022015). Collection method: clinical testing. Allele origin: germline.
Comment: This sequence change replaces methionine, which is neutral and non-polar, with valine, which is neutral and non-polar, at codon 2093 of the NOTCH1 protein (p.Met2093Val). This variant is not present in population databases (gnomAD no frequency). This variant has not been reported in the literature in individuals affected with NOTCH1-related conditions. Invitae Evidence Modeling of protein sequence and biophysical properties (such as structural, functional, and spatial information, amino acid conservation, physicochemical variation, residue mobility, and thermodynamic stability) indicates that this missense variant is not expected to disrupt NOTCH1 protein function with a negative predictive value of 80%. In summary, the available evidence is currently insufficient to determine the role of this variant in disease. Therefore, it has been classified as a Variant of Uncertain Significance.

NM_017617.5(NOTCH1):c.6277A>G (p.Met2093Val)

Gene: NOTCH1 (notch receptor 1; minus strand). Cytogenetic location: 9q34.3.
Variant type: single nucleotide variant.
Coding change: c.6277A>G on transcript NM_017617.5 (MANE Select); coding-DNA position 6277, A replaced by G.
Protein change: p.Met2093Val; replaces methionine 2093 with valine.
Molecular consequence: missense variant.
Genome position (GRCh38, 1-based): chr9:136,497,462, T>C on the plus strand (A>G on the coding strand, the complement: NOTCH1 is on the minus strand). VCF-style: chr9-136497462-T-C. GRCh37 (hg19) VCF-style: chr9-139391914-T-C.
Other names: short protein forms M2093V.
Identifiers: ClinVar variation 3606950 (VCV003606950.2).